The following is an entry in ClinVar:

NM_005732.4(RAD50):c.3131A>C (p.Glu1044Ala)

Gene: RAD50 (RAD50 double strand break repair protein; plus strand). Cytogenetic location: 5q31.1.
Variant type: single nucleotide variant.
Coding change: c.3131A>C on transcript NM_005732.4 (MANE Select); coding-DNA position 3131, A replaced by C.
Protein change: p.Glu1044Ala; replaces glutamic acid 1044 with alanine.
Molecular consequence: missense variant.
Genome position (GRCh38, 1-based): chr5:132,616,097, A>C. VCF-style: chr5-132616097-A-C. GRCh37 (hg19) VCF-style: chr5-131951789-A-C.
Other names: short protein forms E1044A.
Identifiers: ClinVar variation 3648767 (VCV003648767.2).

ClinVar aggregate classification (germline): Uncertain significance (1 of 4 stars; one submission).

Conditions:
Hereditary cancer-predisposing syndrome. Also called: Neoplastic Syndromes, Hereditary; Tumor predisposition; Hereditary neoplastic syndrome; Hereditary Cancer Syndrome. Identifiers: Orphanet 140162, MedGen C0027672, MeSH D009386, MONDO:0015356.

Submission:

Labcorp Genetics (formerly Invitae), Labcorp
Classification: Uncertain significance for Hereditary cancer-predisposing syndrome. Last evaluated: 2024-04-04. Review status: criteria provided, single submitter. Criteria: Invitae Variant Classification Sherloc (09022015). Collection method: clinical testing. Allele origin: germline.
Comment: This sequence change replaces glutamic acid, which is acidic and polar, with alanine, which is neutral and non-polar, at codon 1044 of the RAD50 protein (p.Glu1044Ala). This variant is not present in population databases (gnomAD no frequency). This variant has not been reported in the literature in individuals affected with RAD50-related conditions. Advanced modeling of protein sequence and biophysical properties (such as structural, functional, and spatial information, amino acid conservation, physicochemical variation, residue mobility, and thermodynamic stability) performed at Invitae indicates that this missense variant is not expected to disrupt RAD50 protein function with a negative predictive value of 80%. In summary, the available evidence is currently insufficient to determine the role of this variant in disease. Therefore, it has been classified as a Variant of Uncertain Significance.